The following is an entry in ClinVar:

NM_000059.4(BRCA2):c.6983_6984del (p.Glu2328fs)

Gene: BRCA2 (BRCA2 DNA repair associated; plus strand). Cytogenetic location: 13q13.1.
Variant type: Microsatellite.
Coding change: c.6983_6984del on transcript NM_000059.4 (MANE Select); coding-DNA positions 6983 to 6984, 2 bases deleted (AG; older notation c.6983_6984delAG).
Protein change: p.Glu2328fs; shifts the reading frame from glutamic acid 2328.
Molecular consequence: frameshift variant.
Genome position (GRCh38, 1-based): chr13:32,346,872-32,346,873, AG deleted; deleting any 2 consecutive bases within chr13:32,346,870-32,346,873 gives the same sequence; the c. name uses the placement nearest the transcript's 3' end. VCF-style (leftmost placement, unchanged base first): chr13-32346869-TAG-T. GRCh37 (hg19) VCF-style: chr13-32921006-TAG-T.
Other names: short protein forms E2328fs.
Identifiers: ClinVar variation 862676 (VCV000862676.8), dbSNP rs2072614718, ClinGen allele CA916080520.

ClinVar aggregate classification (germline): Pathogenic (1 of 4 stars; one submission).

Conditions:
Hereditary breast ovarian cancer syndrome. Also called: Hereditary breast and ovarian cancer syndrome; Hereditary breast and/or ovarian cancer syndrome; Hereditary breast and ovarian cancer syndrome (HBOC); Breast and ovarian cancer; Hereditary breast and ovarian cancer; BRCA1- and BRCA2-Associated Hereditary Breast and Ovarian Cancer. Identifiers: Orphanet 145, MedGen C0677776, MeSH D061325, MONDO:0003582. Disease mechanism: loss of function.

Submission:

Labcorp Genetics (formerly Invitae), Labcorp
Classification: Pathogenic for Hereditary breast ovarian cancer syndrome. Last evaluated: 2019-02-24. Review status: criteria provided, single submitter. Criteria: Invitae Variant Classification Sherloc (09022015). Collection method: clinical testing. Allele origin: germline.
Comment: For these reasons, this variant has been classified as Pathogenic. Loss-of-function variants in BRCA2 are known to be pathogenic (PMID: 20104584). This sequence change creates a premature translational stop signal (p.Glu2328Alafs*11) in the BRCA2 gene. It is expected to result in an absent or disrupted protein product. This variant is not present in population databases (ExAC no frequency). This variant has not been reported in the literature in individuals with BRCA2-related conditions.

Literature cited by the submitters: PubMed 20104584.